The following is an entry in ClinVar:

NM_001105206.3(LAMA4):c.2270A>G (p.Asn757Ser)

Gene: LAMA4 (laminin subunit alpha 4; minus strand). Cytogenetic location: 6q21.
Variant type: single nucleotide variant.
Coding change: c.2270A>G on transcript NM_001105206.3 (MANE Select); coding-DNA position 2270, A replaced by G.
Protein change: p.Asn757Ser; replaces asparagine 757 with serine.
Molecular consequence: missense variant.
Genome position (GRCh38, 1-based): chr6:112,148,240, T>C on the plus strand (A>G on the coding strand, the complement: LAMA4 is on the minus strand). VCF-style: chr6-112148240-T-C. GRCh37 (hg19) VCF-style: chr6-112469442-T-C.
Other names: c.2249A>G, p.Asn750Ser (NM_001105207.3, NM_002290.5); short protein forms N750S, N757S.
Identifiers: ClinVar variation 1788375 (VCV001788375.2), dbSNP rs2547044481, ClinGen allele CA365383582.

ClinVar aggregate classification (germline): Uncertain significance (1 of 4 stars; one submission).

Conditions:
Cardiovascular phenotype. Identifiers: MedGen CN230736.

Submission:

Ambry Genetics
Classification: Uncertain significance for Cardiovascular phenotype. Last evaluated: 2020-01-06. Review status: criteria provided, single submitter. Criteria: Ambry Variant Classification Scheme 2023. Collection method: clinical testing. Allele origin: germline.
Comment: The p.N750S variant (also known as c.2249A>G), located in coding exon 17 of the LAMA4 gene, results from an A to G substitution at nucleotide position 2249. The asparagine at codon 750 is replaced by serine, an amino acid with highly similar properties. This amino acid position is poorly conserved in available vertebrate species, and serine is the reference amino acid in other vertebrate species. In addition, this alteration is predicted to be tolerated by in silico analysis. Since supporting evidence is limited at this time, the clinical significance of this alteration remains unclear.